The following is an entry in ClinVar:

ClinVar aggregate classification (germline): Uncertain significance (1 of 4 stars; one submission).

Submission:

Dasa
Classification: Uncertain significance. Last evaluated: 2025-01-02. Review status: criteria provided, single submitter. Criteria: DASA Assertion Criteria. Collection method: clinical testing. Allele origin: germline.
Comment: NM_001170535.3(ATAD3A):c.1100T>G (p.Leu367Arg) is a missense variant that results in the substitution of leucine with arginine. This variant is absent from population databases. Computational prediction algorithms are consistent with a benign effect. The currently available literature and clinical evidence are not sufficient to establish a definitive association between this variant and the reported condition. Therefore, this variant is classified as a variant of uncertain significance.

NM_001170535.3(ATAD3A):c.1100T>G (p.Leu367Arg)

Gene: ATAD3A (ATPase family AAA domain containing 3A; plus strand). Cytogenetic location: 1p36.33.
Variant type: single nucleotide variant.
Coding change: c.1100T>G on transcript NM_001170535.3 (MANE Select); coding-DNA position 1100, T replaced by G.
Protein change: p.Leu367Arg; replaces leucine 367 with arginine.
Molecular consequence: missense variant.
Genome position (GRCh38, 1-based): chr1:1,524,283, T>G. VCF-style: chr1-1524283-T-G. GRCh37 (hg19) VCF-style: chr1-1459663-T-G.
Other names: c.863T>G, p.Leu288Arg (NM_001170536.3); c.1244T>G, p.Leu415Arg (NM_018188.5); short protein forms L367R, L415R, L288R.
Identifiers: ClinVar variation 4886612 (VCV004886612.2).